The following is an entry in ClinVar:

NM_017780.4(CHD7):c.7891C>T (p.Arg2631Ter)

Gene: CHD7 (chromodomain helicase DNA binding protein 7; plus strand). Cytogenetic location: 8q12.2.
Variant type: single nucleotide variant.
Coding change: c.7891C>T on transcript NM_017780.4 (MANE Select); coding-DNA position 7891, C replaced by T.
Protein change: p.Arg2631Ter; replaces arginine 2631 with a stop codon.
Molecular consequence: nonsense.
Genome position (GRCh38, 1-based): chr8:60,862,256, C>T. VCF-style: chr8-60862256-C-T. GRCh37 (hg19) VCF-style: chr8-61774815-C-T.
Other names: c.7891C>T (LRG_176t1); c.1744C>T, p.Arg582Ter (NM_001316690.1); short protein forms R2631*, R582*.
Identifiers: ClinVar variation 158320 (VCV000158320.48), dbSNP rs587783457, ClinGen allele CA271343.

ClinVar aggregate classification (germline): Pathogenic. Review status: criteria provided, multiple submitters, no conflicts (2 of 4 stars). 11 submissions from 11 submitters: Pathogenic (10). 1 of the submissions does not count toward it. Last evaluated 2025-03-18.

Conditions:
CHD7-related disorder. Also called: CHD7-related condition.
Hypogonadotropic hypogonadism 5 with or without anosmia (KAL5). Also called: HYPOGONADOTROPIC HYPOGONADISM 5 WITH ANOSMIA; HYPOGONADOTROPHIC HYPOGONADISM 5 WITHOUT ANOSMIA; CHD7-Related GnRH Deficiency (Kallmann Syndrome 5). Identifiers: Orphanet 478, MedGen C3552553, MONDO:0012880, OMIM 612370. Disease mechanism: loss of function.
CHARGE syndrome (CHARGE). Also called: CHARGE ASSOCIATION--COLOBOMA, HEART ANOMALY, CHOANAL ATRESIA, RETARDATION, GENITAL AND EAR ANOMALIES; Hittner Hirsch Kreh syndrome; Coloboma, heart anomaly, choanal atresia, retardation, genital and ear anomalies; CHARGE association; Hall-Hittner syndrome. Identifiers: Orphanet 138, MedGen C0265354, MONDO:0008965.

Submissions (11):

3billion
Classification: Pathogenic for CHD7-related CHARGE syndrome. Last evaluated: 2025-03-18. Review status: criteria provided, single submitter. Criteria: ACMG Guidelines, 2015. Collection method: clinical testing. Allele origin: germline. Affected: yes.
Comment: The variant is not observed in the gnomAD v4.1.0 dataset. Predicted Consequence/Location: Stop-gained (nonsense): predicted to result in a loss or disruption of normal protein function through nonsense-mediated decay (NMD) or protein truncation. Multiple pathogenic variants are reported downstream of the variant. he variant has been reported at least twice as pathogenic with clinical assertions and evidence for the classification (ClinVar ID: VCV000158320 / PMID: 21158681). Therefore, this variant is classified as Pathogenic according to the recommendation of ACMG/AMP guideline.

GeneDx
Classification: Pathogenic. Last evaluated: 2025-02-19. Review status: criteria provided, single submitter. Criteria: GeneDx Variant Classification Process June 2021. Collection method: clinical testing. Allele origin: germline. Affected: yes.
Comment: Has also been reported in a patient with features of congenital hypogonadotropic hypogonadism (PMID: 37108593); Nonsense variant predicted to result in protein truncation or nonsense mediated decay in a gene for which loss of function is a known mechanism of disease; Not observed at significant frequency in large population cohorts (gnomAD); This variant is associated with the following publications: (PMID: 26666243, 25525159, 32804436, 37108593, 21158681)

CeGaT Center for Human Genetics Tuebingen
Classification: Pathogenic. Last evaluated: 2024-09-01. Review status: criteria provided, single submitter. Criteria: CeGaT Center For Human Genetics Tuebingen Variant Classification Criteria Version 2. Collection method: clinical testing. Allele origin: germline. Affected: yes. Observed: 1 variant allele.
Comment: CHD7: PVS1, PM2, PS2:Moderate, PS4:Moderate

Women's Health and Genetics/Laboratory Corporation of America, LabCorp
Classification: Pathogenic for Hypogonadotropic hypogonadism 5 with or without anosmia. Last evaluated: 2024-07-16. Review status: criteria provided, single submitter. Criteria: LabCorp Variant Classification Summary - May 2015. Collection method: clinical testing. Allele origin: germline.
Comment: Variant summary: CHD7 c.7891C>T (p.Arg2631X) results in a premature termination codon, predicted to cause a truncation of the encoded protein or absence of the protein due to nonsense mediated decay, which are commonly known mechanisms for disease. The variant was absent in 244614 control chromosomes. c.7891C>T has been reported in the literature as heterozygous genotype in multiple individuals affected with clinical features of CHARGE syndrome (Bartels_2010, Lim_2015). These data indicate that the variant is very likely to be associated with disease. To our knowledge, no experimental evidence demonstrating an impact on protein function has been reported. The following publications have been ascertained in the context of this evaluation (PMID: 21158681, 26666243). ClinVar contains an entry for this variant (Variation ID: 158320). Based on the evidence outlined above, the variant was classified as pathogenic.

Provincial Medical Genetics Program of British Columbia, University of British Columbia
Classification: Pathogenic for CHD7-related CHARGE syndrome. Last evaluated: 2022-01-01. Review status: criteria provided, single submitter. Criteria: ACMG Guidelines, 2015. Collection method: clinical testing. Allele origin: de novo. Affected: yes.

Labcorp Genetics (formerly Invitae), Labcorp
Classification: Pathogenic for CHARGE syndrome. Last evaluated: 2019-11-11. Review status: criteria provided, single submitter. Criteria: Invitae Variant Classification Sherloc (09022015). Collection method: clinical testing. Allele origin: germline.
Comment: For these reasons, this variant has been classified as Pathogenic. Loss-of-function variants in CHD7 are known to be pathogenic (PMID: 22461308, 25077900). This variant has been observed in individual(s) with clinical features of CHARGE syndrome (PMID: 26666243, 21158681). This variant is not present in population databases (ExAC no frequency). This sequence change creates a premature translational stop signal (p.Arg2631*) in the CHD7 gene. It is expected to result in an absent or disrupted protein product.

Blueprint Genetics
Classification: Pathogenic for CHD7-related disorders. Last evaluated: 2019-09-24. Review status: criteria provided, single submitter. Criteria: ACMG Guidelines, 2015. Collection method: clinical testing. Allele origin: germline. Affected: yes. Observed: 1 variant allele.

ARUP Laboratories, Molecular Genetics and Genomics, ARUP Laboratories
Classification: Pathogenic. Last evaluated: 2019-07-24. Review status: criteria provided, single submitter. Criteria: ARUP Molecular Germline Variant Investigation Process. Collection method: clinical testing. Allele origin: germline.
Comment: The CHD7 c.7891C>T; p.Arg2631Ter variant (rs587783457) is reported in the medical literature in several individuals with CHARGE syndrome (Bartels 2010). The variant is reported in the ClinVar database (Variation ID: 158320) and is absent from general population databases (Exome Variant Server, Genome Aggregation Database), indicating it is not a common polymorphism. This variant induces an early termination codon and is predicted to result in a truncated protein or mRNA subject to nonsense-mediated decay. Considering available information, this variant is classified as pathogenic. References: Bartels CF et al. Mutations in the CHD7 gene: the experience of a commercial laboratory. Genet Test Mol Biomarkers. 2010 Dec;14(6):881-91.

Genetic Services Laboratory, University of Chicago
Classification: Pathogenic for CHARGE syndrome. Last evaluated: 2013-02-08. Review status: criteria provided, single submitter. Criteria: ACMG Guidelines, 2007. Collection method: clinical testing. Allele origin: germline. Inheritance: Autosomal dominant inheritance. Affected: yes.

Neuberg Centre For Genomic Medicine, NCGM
Classification: Pathogenic for CHD7-related CHARGE syndrome. Review status: criteria provided, single submitter. Criteria: ACMG Guidelines, 2015. Collection method: clinical testing. Allele origin: germline. Inheritance: Autosomal dominant inheritance. Affected: yes.
Comment: The observed stop gained variant c.7891C>T(p.Arg2631Ter) in the CHD7 gene has been reported previously in multiple individuals affected with clinical features of CHARGE syndrome (Bartels CF, et al., 2010; Lim EC, et al., 2015). This variant is absent in the gnomAD Exomes. It is submitted to ClinVar as Pathogenic by multiple submitters. Computational evidence (MutationTaster - Disease causing) predicts damaging effect on protein structure and function for this variant. This variant is predicted to cause loss of normal protein function either through protein truncation or nonsense-mediated mRNA decay. Loss of function variants have been previously reported to be disease causing. For these reasons, this variant has been classified as Pathogenic.

PreventionGenetics, part of Exact Sciences
Classification: Pathogenic for CHD7-related condition. Last evaluated: 2024-07-25. Review status: no assertion criteria provided. Collection method: clinical testing. Allele origin: germline. Not counted in ClinVar's aggregate classification.
Comment: The CHD7 c.7891C>T variant is predicted to result in premature protein termination (p.Arg2631*). This variant has been reported in multiple individuals with CHARGE syndrome (Bartels et al. 2010. PubMed ID: 21158681; Wei et al. 2020. PubMed ID: 32804436). This variant has not been reported in a large population database, indicating this variant is rare. Nonsense variants in CHD7 are expected to be pathogenic. This variant is interpreted as pathogenic.

Literature cited by the submitters: PubMed 21158681 (cited by 3 submitters); PubMed 26666243 (cited by Women's Health and Genetics/Laboratory Corporation of America, LabCorp and Labcorp Genetics (formerly Invitae), Labcorp); PubMed 22461308 (cited by Labcorp Genetics (formerly Invitae), Labcorp); PubMed 25077900 (cited by Labcorp Genetics (formerly Invitae), Labcorp).